The following is an entry in ClinVar:

ClinVar aggregate classification (germline): Uncertain significance (1 of 4 stars; one submission).

Submission:

Labcorp Genetics (formerly Invitae), Labcorp
Classification: Uncertain significance. Last evaluated: 2024-06-28. Review status: criteria provided, single submitter. Criteria: Invitae Variant Classification Sherloc (09022015). Collection method: clinical testing. Allele origin: germline.
Comment: This sequence change replaces glutamine, which is neutral and polar, with histidine, which is basic and polar, at codon 1757 of the KAT6A protein (p.Gln1757His). This variant is not present in population databases (gnomAD no frequency). This variant has not been reported in the literature in individuals affected with KAT6A-related conditions. Experimental studies and prediction algorithms are not available or were not evaluated, and the functional significance of this variant is currently unknown. In summary, the available evidence is currently insufficient to determine the role of this variant in disease. Therefore, it has been classified as a Variant of Uncertain Significance.

NM_006766.5(KAT6A):c.5271G>C (p.Gln1757His)

Gene: KAT6A (lysine acetyltransferase 6A; minus strand). Cytogenetic location: 8p11.21.
Variant type: single nucleotide variant.
Coding change: c.5271G>C on transcript NM_006766.5 (MANE Select); coding-DNA position 5271, G replaced by C.
Protein change: p.Gln1757His; replaces glutamine 1757 with histidine.
Molecular consequence: missense variant.
Genome position (GRCh38, 1-based): chr8:41,932,949, C>G on the plus strand (G>C on the coding strand, the complement: KAT6A is on the minus strand). VCF-style: chr8-41932949-C-G. GRCh37 (hg19) VCF-style: chr8-41790467-C-G.
Other names: short protein forms Q1757H.
Identifiers: ClinVar variation 3685288 (VCV003685288.2).